The following is an entry in ClinVar:

NM_001009944.3(PKD1):c.6819C>T (p.Asp2273=)

Gene: PKD1 (polycystin 1, transient receptor potential channel interacting; minus strand). Cytogenetic location: 16p13.3.
Variant type: single nucleotide variant.
Coding change: c.6819C>T on transcript NM_001009944.3 (MANE Select); coding-DNA position 6819, C replaced by T.
Protein change: p.Asp2273=; no amino-acid change (aspartic acid 2273 retained).
Molecular consequence: synonymous variant.
Genome position (GRCh38, 1-based): chr16:2,108,348, G>A on the plus strand (C>T on the coding strand, the complement: PKD1 is on the minus strand). VCF-style: chr16-2108348-G-A. GRCh37 (hg19) VCF-style: chr16-2158349-G-A.
Other names: c.6819C>T, p.Asp2273= (NM_000296.4).
Identifiers: ClinVar variation 997354 (VCV000997354.1), dbSNP rs372298966, ClinGen allele CA493046913.

ClinVar aggregate classification (germline): Likely benign (0 of 4 stars; one submission).

Conditions:
Polycystic kidney disease. Also called: Polycystic kidney dysplasia; Kidney, Polycystic. Identifiers: MedGen C0022680, MeSH D007690, MONDO:0020642, HP:0000113.

Allele frequency attached by ClinVar (database versions not stated): TOPMed 0.00001.
gnomAD v4.1: 2 of 1,609,166 alleles (0.00012%); highest among the groups gnomAD compares: Non-Finnish European, 0.000085%; no homozygotes.

Submission:

Department of Pathology and Laboratory Medicine, Sinai Health System
Classification: Likely benign for Polycystic Kidney disease. Review status: no assertion criteria provided. Collection method: clinical testing. Allele origin: unknown. Affected: yes. Study: The Canadian Open Genetics Repository (COGR).
Comment: The PKD1 p.Asp2273= variant was not identified in the literature nor was it identified in the dbSNP, ClinVar, LOVD 3.0, ADPKD Mutation Database, or PKD1-LOVD databases. The variant was identified in control databases in 2 of 275056 chromosomes at a frequency of 0.000007 (Genome Aggregation Database Feb 27, 2017). The variant was observed in the following populations: European (Non-Finnish) in 2 of 124920 chromosomes (freq: 0.000016), while the variant was not observed in the African, Other, Latino, Ashkenazi Jewish, East Asian, European (Finnish), and SouthAsian populations. In addition we cannot be certain that data from control databases is specific to PKD1 and not from one of the six PKD1 pseudogenes. The p.Asp2273= variant is not expected to have clinical significance because it does not result in a change of amino acid and is not located in a known consensus splice site. In addition, in silico or computational prediction software programs (SpliceSiteFinder, MaxEntScan, NNSPLICE, GeneSplicer) do not predict a difference in splicing. In summary, based on the above information the clinical significance of this variant cannot be determined with certainty at this time although we would lean towards a more benign role for this variant. This variant is classified as likely benign.